The following is an entry in ClinVar:

ClinVar aggregate classification (germline): Pathogenic (1 of 4 stars; one submission).

Submission:

ARUP Laboratories, Molecular Genetics and Genomics, ARUP Laboratories
Classification: Pathogenic. Last evaluated: 2019-07-23. Review status: criteria provided, single submitter. Criteria: ARUP Molecular Germline Variant Investigation Process. Collection method: clinical testing. Allele origin: germline.
Comment: The SOX9 c.392_394delinsG; p.His131fs variant, to our knowledge, is not reported in the medical literature or gene-specific databases. This variant is also absent from general population databases (Exome Variant Server, Genome Aggregation Database), indicating it is not a common polymorphism. This variant causes a frameshift by deleting three nucleotides and inserting one nucleotide, so it is predicted to result in a truncated protein or mRNA subject to nonsense-mediated decay. SOX9 loss-of-function is an established mechanism of disease, and truncating variants downstream of p.His131fs are reported in affected individuals and considered to be disease-causing (Gentilin 2010, Mattos 2015). Based on available information, the p.His131fs variant is considered to be pathogenic. References: Gentilin B et al. Phenotype of five cases of prenatally diagnosed campomelic dysplasia harboring novel mutations of the SOX9 gene. Ultrasound Obstet Gynecol. 2010 Sep;36(3):315-23. Mattos EP et al. Clinical and molecular characterization of a Brazilian cohort of campomelic dysplasia patients, and identification of seven new SOX9 mutations. Genet Mol Biol. 2015 Mar;38(1):14-20.

NM_000346.4(SOX9):c.393_394del (p.His131fs)

Genes: SOX9 (SRY-box transcription factor 9; plus strand), LOC108021846 (SOX9 promoter region; plus strand). Cytogenetic location: 17q24.3.
Variant type: Microsatellite.
Coding change: c.393_394del on transcript NM_000346.4 (MANE Select); coding-DNA positions 393 to 394, 2 bases deleted (CA; older notation c.393_394delCA).
Protein change: p.His131fs; shifts the reading frame from histidine 131.
Molecular consequence: frameshift variant.
Genome position (GRCh38, 1-based): chr17:72,121,784-72,121,785, CA deleted; deleting any 2 consecutive bases within chr17:72,121,782-72,121,785 gives the same sequence; the c. name uses the placement nearest the transcript's 3' end. VCF-style (leftmost placement, unchanged base first): chr17-72121781-GCA-G. GRCh37 (hg19) VCF-style: chr17-70117922-GCA-G.
Other names: short protein forms H131fs.
Identifiers: ClinVar variation 993710 (VCV000993710.8), dbSNP rs1908102423, ClinGen allele CA2273925390.
Genomic context (GRCh38, chr17:72,121,781, plus strand): 5'-CGCCTTCATGGTGTGGGCGCAGGCGGCGCGCAGGAAGCTCGCGGACCAGTACCCGCACTT[GCA>G]CAACGCCGAGCTCAGCAAGACGCTGGGCAAGCTCTGGAGGTAGGACCCGGCGGGGGCGGC-3'